The following is an entry in ClinVar:

ClinVar aggregate classification (germline): Uncertain significance. Review status: criteria provided, multiple submitters, no conflicts (2 of 4 stars). 2 submissions from 2 submitters: Uncertain significance (2). Last evaluated 2024-12-06.

Conditions:
Pulmonary fibrosis and/or bone marrow failure, Telomere-related, 3. Also called: PULMONARY FIBROSIS AND/OR BONE MARROW FAILURE SYNDROME, TELOMERE-RELATED, 3. Identifiers: Orphanet 2032, MedGen C4225346, MONDO:0014613, OMIM 616373.
Dyskeratosis congenita, autosomal recessive 5 (DKCB5). Identifiers: MedGen C3554656, MONDO:0014076, OMIM 615190.
Inborn genetic diseases. Identifiers: MedGen C0950123, MeSH D030342.

Allele frequency attached by ClinVar (database versions not stated): ExAC 0.00001; gnomAD exomes 0.00001.
gnomAD v4.1: 9 of 1,612,060 alleles (0.00056%); highest among the groups gnomAD compares: South Asian, 0.0088%; no homozygotes.

Submissions (2):

Ambry Genetics
Classification: Uncertain significance for Inborn genetic diseases. Last evaluated: 2024-12-06. Review status: criteria provided, single submitter. Criteria: Ambry Variant Classification Scheme 2023. Collection method: clinical testing. Allele origin: germline.
Comment: The p.S983T variant (also known as c.2948G>C), located in coding exon 29 of the RTEL1 gene, results from a G to C substitution at nucleotide position 2948. The serine at codon 983 is replaced by threonine, an amino acid with similar properties. This amino acid position is conserved. In addition, this alteration is predicted to be tolerated by in silico analysis. Based on the available evidence, the clinical significance of this variant remains unclear.

Labcorp Genetics (formerly Invitae), Labcorp
Classification: Uncertain significance for Dyskeratosis congenita, autosomal recessive 5; Pulmonary fibrosis and/or bone marrow failure, Telomere-related, 3. Last evaluated: 2022-06-09. Review status: criteria provided, single submitter. Criteria: Invitae Variant Classification Sherloc (09022015). Collection method: clinical testing. Allele origin: germline.
Comment: This sequence change replaces serine, which is neutral and polar, with threonine, which is neutral and polar, at codon 983 of the RTEL1 protein (p.Ser983Thr). This variant is present in population databases (rs369960089, gnomAD 0.006%). This variant has not been reported in the literature in individuals affected with RTEL1-related conditions. Algorithms developed to predict the effect of missense changes on protein structure and function are either unavailable or do not agree on the potential impact of this missense change (SIFT: "Deleterious"; PolyPhen-2: "Possibly Damaging"; Align-GVGD: "Class C0"). In summary, the available evidence is currently insufficient to determine the role of this variant in disease. Therefore, it has been classified as a Variant of Uncertain Significance.

NM_001283009.2(RTEL1):c.2948G>C (p.Ser983Thr)

Genes: RTEL1 (regulator of telomere elongation helicase 1; plus strand), RTEL1-TNFRSF6B (RTEL1-TNFRSF6B readthrough (NMD candidate); plus strand). Cytogenetic location: 20q13.33.
Variant type: single nucleotide variant.
Coding change: c.2948G>C on transcript NM_001283009.2 (MANE Select); coding-DNA position 2948, G replaced by C.
Protein change: p.Ser983Thr; replaces serine 983 with threonine.
Molecular consequence: missense variant. On other transcripts: non-coding transcript variant (1).
Genome position (GRCh38, 1-based): chr20:63,693,239, G>C. VCF-style: chr20-63693239-G-C. GRCh37 (hg19) VCF-style: chr20-62324592-G-C.
Other names: c.2948G>C, p.Ser983Thr (NM_016434.4); c.3020G>C, p.Ser1007Thr (NM_032957.5); c.2279G>C, p.Ser760Thr (NM_001283010.1); short protein forms S1007T, S983T, S760T.
Identifiers: ClinVar variation 1979406 (VCV001979406.2), dbSNP rs369960089, ClinGen allele CA9965669.